The following is an entry in ClinVar:

NM_000138.5(FBN1):c.7716_7720dup (p.Asn2574fs)

Gene: FBN1 (fibrillin 1; minus strand). Cytogenetic location: 15q21.1.
Variant type: Duplication.
Coding change: c.7716_7720dup on transcript NM_000138.5 (MANE Select); coding-DNA positions 7716 to 7720, 5 bases duplicated (GGGTA; older notation c.7716_7720dupGGGTA).
Protein change: p.Asn2574fs; shifts the reading frame from asparagine 2574.
Molecular consequence: frameshift variant.
Genome position (GRCh38, 1-based): chr15:48,420,786-48,420,790, TACCC duplicated on the plus strand (GGGTA on the coding strand, the reverse complement: FBN1 is on the minus strand); duplicating any 5 consecutive bases within chr15:48,420,786-48,420,791 gives the same sequence; the c. name uses the placement nearest the transcript's 3' end. VCF-style (leftmost placement, unchanged base first): chr15-48420785-T-TTACCC. GRCh37 (hg19) VCF-style: chr15-48712982-T-TTACCC.
Other names: c.7716_7720dup, p.Asn2574fs (NM_001406716.1); short protein forms N2574fs.
Identifiers: ClinVar variation 3757383 (VCV003757383.2).
Genomic context (GRCh38, chr15:48,420,785, plus strand): 5'-TGGGGGCAGCTGCACCTGTAGCCCCCAATGATGTTCTGGCAGCCATGCTGGCAGCGGTGG[T>TTACCC]TACCCTCACACTCGTCCACGTCTGAAAAAGAAGCAGAGCCACCATGATGCCAACTCAACA-3'

ClinVar aggregate classification (germline): Pathogenic (1 of 4 stars; one submission).

Conditions:
Marfan syndrome (MFS). Also called: MARFAN SYNDROME, TYPE I; Marfan syndrome type 1; Marfan's syndrome; Marfan syndrome, classic; FBN1-Related Marfan Syndrome. Identifiers: Orphanet 284963, Orphanet 558, MedGen C0024796, MONDO:0007947, OMIM 154700.
Familial thoracic aortic aneurysm and aortic dissection (TAAD). Also called: Thoracic aortic aneurysms and dissections. Identifiers: Orphanet 91387, MedGen C4707243, MONDO:0019625.

Submission:

Labcorp Genetics (formerly Invitae), Labcorp
Classification: Pathogenic for Marfan syndrome; Familial thoracic aortic aneurysm and aortic dissection. Last evaluated: 2024-07-24. Review status: criteria provided, single submitter. Criteria: Invitae Variant Classification Sherloc (09022015). Collection method: clinical testing. Allele origin: germline.
Comment: This sequence change creates a premature translational stop signal (p.Asn2574Argfs*110) in the FBN1 gene. It is expected to result in an absent or disrupted protein product. Loss-of-function variants in FBN1 are known to be pathogenic (PMID: 17657824, 19293843). This variant is not present in population databases (gnomAD no frequency). This variant has not been reported in the literature in individuals affected with FBN1-related conditions. For these reasons, this variant has been classified as Pathogenic.

Literature cited by the submitters: PubMed 17657824; PubMed 19293843.